The following is an entry in ClinVar:

ClinVar aggregate classification (germline): Likely benign. Review status: criteria provided, multiple submitters, no conflicts (2 of 4 stars). 7 submissions from 7 submitters: Likely benign (4). 3 of the submissions do not count toward it. Last evaluated 2026-01-24.

Conditions:
VPS13A-related neurodegenerative disease. Also called: ACANTHOCYTOSIS WITH NEUROLOGIC DISORDER; Choreoacanthocytosis; Chorea-acanthocytosis; Choreaacanthocytosis; LEVINE-CRITCHLEY SYNDROME; VPS13A Disease. Identifiers: Orphanet 2388, MedGen C0393576, MONDO:0008695, OMIM 200150.

Allele frequency attached by ClinVar (database versions not stated): gnomAD exomes 0.00025; ExAC 0.00026; gnomAD 0.00033 and 0.00036; TOPMed 0.00039; ESP Exome Variant Server 0.00046.
gnomAD v4.1: 1,258 of 1,613,864 alleles (0.078%); highest among the groups gnomAD compares: Non-Finnish European, 0.1%; 2 homozygotes.

Submissions (7):

Labcorp Genetics (formerly Invitae), Labcorp
Classification: Likely benign. Last evaluated: 2026-01-24. Review status: criteria provided, single submitter. Criteria: Invitae Variant Classification Sherloc (09022015). Collection method: clinical testing. Allele origin: germline.

CeGaT Center for Human Genetics Tuebingen
Classification: Likely benign. Last evaluated: 2025-06-01. Review status: criteria provided, single submitter. Criteria: CeGaT Center For Human Genetics Tuebingen Variant Classification Criteria Version 2. Collection method: clinical testing. Allele origin: germline. Affected: yes. Observed: 2 variant alleles.
Comment: VPS13A: BP4

Mayo Clinic Laboratories, Mayo Clinic
Classification: Likely benign. Last evaluated: 2025-04-09. Review status: criteria provided, single submitter. Criteria: ACMG Guidelines, 2015. Collection method: clinical testing. Allele origin: germline. Observed: 1 variant allele.
Comment: BP4, BP7

Blueprint Genetics
Classification: Likely benign. Last evaluated: 2024-08-27. Review status: criteria provided, single submitter. Criteria: ACMG Guidelines, 2015. Collection method: clinical testing. Allele origin: germline.

Natera, Inc.
Classification: Likely benign for Choreaacanthocytosis. Last evaluated: 2021-02-26. Review status: no assertion criteria provided. Collection method: clinical testing. Allele origin: germline. Not counted in ClinVar's aggregate classification.

Clinical Genetics DNA and cytogenetics Diagnostics Lab, Erasmus MC, Erasmus Medical Center
Classification: Likely benign. Review status: no assertion criteria provided. Collection method: clinical testing. Allele origin: germline. Affected: yes. Study: VKGL Data-share Consensus. Not counted in ClinVar's aggregate classification.

Genome Diagnostics Laboratory, Amsterdam University Medical Center
Classification: Likely benign. Review status: no assertion criteria provided. Collection method: clinical testing. Allele origin: germline. Affected: yes. Study: VKGL Data-share Consensus. Not counted in ClinVar's aggregate classification.

NM_033305.3(VPS13A):c.4590T>G (p.Ala1530=)

Gene: VPS13A (vacuolar protein sorting 13 homolog A; plus strand). Cytogenetic location: 9q21.2.
Variant type: single nucleotide variant.
Coding change: c.4590T>G on transcript NM_033305.3 (MANE Select); coding-DNA position 4590, T replaced by G.
Protein change: p.Ala1530=; no amino-acid change (alanine 1530 retained).
Molecular consequence: synonymous variant.
Genome position (GRCh38, 1-based): chr9:77,315,430, T>G. VCF-style: chr9-77315430-T-G. GRCh37 (hg19) VCF-style: chr9-79930346-T-G.
Other names: p.Ala1530=; c.4473T>G, p.Ala1491= (NM_001018037.2); c.4590T>G, p.Ala1530= (NM_001018038.3, NM_015186.4).
Identifiers: ClinVar variation 695976 (VCV000695976.34), dbSNP rs141940484, ClinGen allele CA5092554.